The following is an entry in ClinVar:

ClinVar aggregate classification (germline): Pathogenic. Review status: criteria provided, multiple submitters, no conflicts (2 of 4 stars). 3 submissions from 3 submitters: Pathogenic (3). Last evaluated 2025-01-03.

Conditions:
Multiple endocrine neoplasia, type 1 (MEN1). Also called: Endocrine adenomatosis multiple; MEN 1; MEA I; MEN I; WERMER SYNDROME. Identifiers: Orphanet 652, MedGen C0025267, MeSH D018761, MONDO:0007540, OMIM 131100.

Submissions (3):

Labcorp Genetics (formerly Invitae), Labcorp
Classification: Pathogenic for Multiple endocrine neoplasia, type 1. Last evaluated: 2025-01-03. Review status: criteria provided, single submitter. Criteria: Invitae Variant Classification Sherloc (09022015). Collection method: clinical testing. Allele origin: germline.
Comment: This sequence change affects an acceptor splice site in intron 2 of the MEN1 gene. RNA analysis indicates that disruption of this splice site induces altered splicing and may result in an absent or altered protein product. This variant is not present in population databases (gnomAD no frequency). Disruption of this splice site has been observed in individuals with multiple endocrine neoplasia type 1 (MEN1) syndrome (internal data). ClinVar contains an entry for this variant (Variation ID: 280917). Studies have shown that disruption of this splice site results in skipping of exon 3, and produces a non-functional protein and/or introduces a premature termination codon (internal data). For these reasons, this variant has been classified as Pathogenic.

Laboratory of Molecular and Cytogenetics, Department of Anatomy, All India Institute of Medical Sciences (AIIMS)
Classification: Pathogenic for Multiple endocrine neoplasia, type 1. Last evaluated: 2023-04-10. Review status: criteria provided, single submitter. Criteria: ACMG Guidelines, 2015. Collection method: clinical testing. Allele origin: germline. Affected: yes. Observed: 1 variant allele.

GeneDx
Classification: Pathogenic. Last evaluated: 2018-11-23. Review status: criteria provided, single submitter. Criteria: GeneDx Variant Classification (06012015). Collection method: clinical testing. Allele origin: germline. Affected: yes.
Comment: The c.446-2A>C splice site variant in the MEN1 gene has not been reported previously as a pathogenic variant, nor as a benign variant, to our knowledge. This variant destroys the canonical splice acceptor site in intron 3. It is predicted to cause abnormal gene splicing, either leading to an abnormal message that is subject to nonsense-mediated mRNA decay, or to an abnormal protein product if the message is used for protein translation. Based on currently available evidence, we consider c.446-2A>C to be pathogenic and its presence consistent with a diagnosis of multiple endocrine neoplasia type 1

NM_001370259.2(MEN1):c.446-2A>C

Gene: MEN1 (menin 1; minus strand). Cytogenetic location: 11q13.1.
Variant type: single nucleotide variant.
Coding change: c.446-2A>C on transcript NM_001370259.2 (MANE Select); the canonical splice acceptor site of the intron before coding-DNA position 446, A replaced by C.
Molecular consequence: splice acceptor variant.
Genome position (GRCh38, 1-based): chr11:64,808,101, T>G on the plus strand (A>C on the coding strand, the complement: MEN1 is on the minus strand). VCF-style: chr11-64808101-T-G. GRCh37 (hg19) VCF-style: chr11-64575573-T-G.
Other names: c.461-2A>C (NM_130804.3, NM_130803.3, NM_000244.4 and 5 more transcripts); c.446-2A>C (NM_001407148.1, NM_130799.3, NM_001407144.1 and 12 more transcripts).
Identifiers: ClinVar variation 280917 (VCV000280917.8), dbSNP rs886042035, ClinGen allele CA10603221.